The following is an entry in ClinVar:

ClinVar aggregate classification (germline): Uncertain significance (1 of 4 stars; one submission).

Submission:

Labcorp Genetics (formerly Invitae), Labcorp
Classification: Uncertain significance. Last evaluated: 2025-01-06. Review status: criteria provided, single submitter. Criteria: Invitae Variant Classification Sherloc (09022015). Collection method: clinical testing. Allele origin: germline.
Comment: This sequence change creates a premature translational stop signal (p.Glu292*) in the NEUROD1 gene. While this is not anticipated to result in nonsense mediated decay, it is expected to disrupt the last 65 amino acid(s) of the NEUROD1 protein. This variant is not present in population databases (gnomAD no frequency). This variant has not been reported in the literature in individuals affected with NEUROD1-related conditions. Experimental studies and prediction algorithms are not available or were not evaluated, and the functional significance of this variant is currently unknown. In summary, the available evidence is currently insufficient to determine the role of this variant in disease. Therefore, it has been classified as a Variant of Uncertain Significance.

NM_002500.5(NEUROD1):c.874G>T (p.Glu292Ter)

Gene: NEUROD1 (neuronal differentiation 1; minus strand). Cytogenetic location: 2q31.3.
Variant type: single nucleotide variant.
Coding change: c.874G>T on transcript NM_002500.5 (MANE Select); coding-DNA position 874, G replaced by T.
Protein change: p.Glu292Ter; replaces glutamic acid 292 with a stop codon.
Molecular consequence: nonsense.
Genome position (GRCh38, 1-based): chr2:181,677,987, C>A on the plus strand (G>T on the coding strand, the complement: NEUROD1 is on the minus strand). VCF-style: chr2-181677987-C-A. GRCh37 (hg19) VCF-style: chr2-182542714-C-A.
Other names: short protein forms E292*.
Identifiers: ClinVar variation 3728547 (VCV003728547.2).
Genomic context (GRCh38, chr2:181,677,987, plus strand): 5'-GGGCCCCTGCCAGTGTCGCTGCAGGATAGTGCATGGTAAAGGCATAATTTTTCTCAAACT[C>A]GGCGGACGGTTCGTGTTTGAAAGAGAAGTTGCCATTGATGCTGAGCGGCGGGCTGAGGGG-3'